The following is an entry in ClinVar:

ClinVar aggregate classification (germline): Likely benign. Review status: criteria provided, multiple submitters, no conflicts (2 of 4 stars). 3 submissions from 3 submitters: Likely benign (2). 1 of the submissions does not count toward it. Last evaluated 2024-06-10.

Conditions:
RANBP2-related disorder. Also called: RANBP2-related condition.
Familial acute necrotizing encephalopathy (IIAE3). Also called: ENCEPHALOPATHY, ACUTE, INFECTION-INDUCED, SUSCEPTIBILITY TO, 3; Susceptibility to Acute Necrotizing Encephalopathy 1. Identifiers: Orphanet 88619, MedGen C2675556, MONDO:0011953, OMIM 608033.

Allele frequency attached by ClinVar (database versions not stated): ESP Exome Variant Server 0.00015; gnomAD 0.00016; TOPMed 0.00016.
gnomAD v4.1: 153 of 1,614,180 alleles (0.0095%); highest among the groups gnomAD compares: Middle Eastern, 0.066%; no homozygotes.

Submissions (3):

Blueprint Genetics
Classification: Likely benign. Last evaluated: 2024-06-10. Review status: criteria provided, single submitter. Criteria: ACMG Guidelines, 2015. Collection method: clinical testing. Allele origin: germline.

Labcorp Genetics (formerly Invitae), Labcorp
Classification: Likely benign for Familial acute necrotizing encephalopathy. Last evaluated: 2024-02-24. Review status: criteria provided, single submitter. Criteria: Invitae Variant Classification Sherloc (09022015). Collection method: clinical testing. Allele origin: germline.

PreventionGenetics, part of Exact Sciences
Classification: Likely benign for RANBP2-related condition. Last evaluated: 2024-01-12. Review status: no assertion criteria provided. Collection method: clinical testing. Allele origin: germline. Not counted in ClinVar's aggregate classification.
Comment: This variant is classified as likely benign based on ACMG/AMP sequence variant interpretation guidelines (Richards et al. 2015 PMID: 25741868, with internal and published modifications).

NM_006267.5(RANBP2):c.8613A>G (p.Gln2871=)

Gene: RANBP2 (RAN binding protein 2; plus strand). Cytogenetic location: 2q13.
Variant type: single nucleotide variant.
Coding change: c.8613A>G on transcript NM_006267.5 (MANE Select); coding-DNA position 8613, A replaced by G.
Protein change: p.Gln2871=; no amino-acid change (glutamine 2871 retained).
Molecular consequence: synonymous variant.
Genome position (GRCh38, 1-based): chr2:108,781,282, A>G. VCF-style: chr2-108781282-A-G. GRCh37 (hg19) VCF-style: chr2-109397738-A-G.
Other names: c.8613A>G (NM_006267.4).
Identifiers: ClinVar variation 1141233 (VCV001141233.13), dbSNP rs369829153, ClinGen allele CA1823891.